The following is an entry in ClinVar:

NM_001013838.3(CARMIL2):c.4228C>T (p.Gln1410Ter)

Gene: CARMIL2 (capping protein regulator and myosin 1 linker 2; plus strand). Cytogenetic location: 16q22.1.
Variant type: single nucleotide variant.
Coding change: c.4228C>T on transcript NM_001013838.3 (MANE Select); coding-DNA position 4228, C replaced by T.
Protein change: p.Gln1410Ter; replaces glutamine 1410 with a stop codon.
Molecular consequence: nonsense.
Genome position (GRCh38, 1-based): chr16:67,657,438, C>T. VCF-style: chr16-67657438-C-T. GRCh37 (hg19) VCF-style: chr16-67691341-C-T.
Other names: c.4039C>T, p.Gln1347Ter (NM_001317026.3); short protein forms Q1347*, Q1410*.
Identifiers: ClinVar variation 2698586 (VCV002698586.3), dbSNP rs748955499, ClinGen allele CA8114306.

ClinVar aggregate classification (germline): Uncertain significance (1 of 4 stars; one submission).

Allele frequency attached by ClinVar (database versions not stated): gnomAD exomes below 0.00001.
gnomAD v4.1: 5 of 1,610,150 alleles (0.00031%); highest among the groups gnomAD compares: East Asian, 0.0022%; no homozygotes.

Submission:

Labcorp Genetics (formerly Invitae), Labcorp
Classification: Uncertain significance. Last evaluated: 2023-10-31. Review status: criteria provided, single submitter. Criteria: Invitae Variant Classification Sherloc (09022015). Collection method: clinical testing. Allele origin: germline.
Comment: This sequence change creates a premature translational stop signal (p.Gln1410*) in the CARMIL2 gene. While this is not anticipated to result in nonsense mediated decay, it is expected to disrupt the last 26 amino acid(s) of the CARMIL2 protein. The frequency data for this variant in the population databases is considered unreliable, as metrics indicate poor data quality at this position in the gnomAD database. This variant has not been reported in the literature in individuals affected with CARMIL2-related conditions. Experimental studies and prediction algorithms are not available or were not evaluated, and the functional significance of this variant is currently unknown. In summary, the available evidence is currently insufficient to determine the role of this variant in disease. Therefore, it has been classified as a Variant of Uncertain Significance.